The following is an entry in ClinVar:

NM_001288739.2(DNM1):c.1262A>C (p.Lys421Thr)

Gene: DNM1 (dynamin 1; plus strand). Cytogenetic location: 9q34.11.
Variant type: single nucleotide variant.
Coding change: c.1262A>C on transcript NM_001288739.2 (MANE Plus Clinical); coding-DNA position 1262, A replaced by C.
Protein change: p.Lys421Thr; replaces lysine 421 with threonine.
Molecular consequence: missense variant. On other transcripts: intron variant (3).
Genome position (GRCh38, 1-based): chr9:128,226,100, A>C. VCF-style: chr9-128226100-A-C. GRCh37 (hg19) VCF-style: chr9-130988379-A-C.
Other names: c.1262A>C, p.Lys421Thr (NM_001288737.2, NM_001288738.2); c.1335+1711A>C (NM_001005336.3, NM_001374269.1, NM_004408.4); short protein forms K421T.
Identifiers: ClinVar variation 3369872 (VCV003369872.1).

ClinVar aggregate classification (germline): Uncertain significance (1 of 4 stars; one submission).

Submission:

GeneDx
Classification: Uncertain significance. Last evaluated: 2024-02-26. Review status: criteria provided, single submitter. Criteria: GeneDx Variant Classification Process June 2021. Collection method: clinical testing. Allele origin: germline. Affected: yes.
Comment: Not observed at significant frequency in large population cohorts (gnomAD); In silico analysis supports a deleterious effect on splicing; Reported using an alternate transcript of the gene; Has not been previously published as pathogenic or benign to our knowledge